The following is an entry in ClinVar:

NM_001009944.3(PKD1):c.6179C>G (p.Ala2060Gly)

Gene: PKD1 (polycystin 1, transient receptor potential channel interacting; minus strand). Cytogenetic location: 16p13.3.
Variant type: single nucleotide variant.
Coding change: c.6179C>G on transcript NM_001009944.3 (MANE Select); coding-DNA position 6179, C replaced by G.
Protein change: p.Ala2060Gly; replaces alanine 2060 with glycine.
Molecular consequence: missense variant.
Genome position (GRCh38, 1-based): chr16:2,108,988, G>C on the plus strand (C>G on the coding strand, the complement: PKD1 is on the minus strand). VCF-style: chr16-2108988-G-C. GRCh37 (hg19) VCF-style: chr16-2158989-G-C.
Other names: c.6179C>G, p.Ala2060Gly (NM_000296.4); short protein forms A2060G.
Identifiers: ClinVar variation 997265 (VCV000997265.2), dbSNP rs753999046, ClinGen allele CA7831691.

ClinVar aggregate classification (germline): Uncertain significance. Review status: criteria provided, single submitter (1 of 4 stars). 2 submissions from 2 submitters: Uncertain significance (1). 1 of the submissions does not count toward it. Last evaluated 2024-05-28.

Conditions:
Polycystic kidney disease, adult type (PKD1). Also called: POLYCYSTIC KIDNEY DISEASE, ADULT, TYPE I; Polycystic Kidney Disease 1, Autosomal Dominant; Polycystic kidney disease 1; Polycystic kidney disease 1, severe; Polycystic Kidney, Autosomal Dominant; POLYCYSTIC KIDNEY DISEASE 1 WITH OR WITHOUT POLYCYSTIC LIVER DISEASE. Identifiers: MedGen C3149841, MONDO:0008263, OMIM 173900.
Polycystic kidney disease. Also called: Polycystic kidney dysplasia; Kidney, Polycystic. Identifiers: MedGen C0022680, MeSH D007690, MONDO:0020642, HP:0000113.

Allele frequency attached by ClinVar (database versions not stated): TOPMed 0.00003.
gnomAD v4.1: 56 of 1,610,208 alleles (0.0035%); highest among the groups gnomAD compares: Middle Eastern, 0.12%; no homozygotes.

Submissions (2):

Fulgent Genetics
Classification: Uncertain significance for Polycystic kidney disease, adult type. Last evaluated: 2024-05-28. Review status: criteria provided, single submitter. Criteria: ACMG Guidelines, 2015. Collection method: clinical testing. Allele origin: germline.

Department of Pathology and Laboratory Medicine, Sinai Health System
Classification: Uncertain significance for Polycystic Kidney disease. Review status: no assertion criteria provided. Collection method: clinical testing. Allele origin: unknown. Affected: yes. Study: The Canadian Open Genetics Repository (COGR). Not counted in ClinVar's aggregate classification.
Comment: PKD1, EXON15, c.6179C>G, p.Ala2060Gly, Heterozygous, Uncertain Significance The PKD1 p.Ala2060Gly variant was not identified in the literature nor was it identified in the following databases: ClinVar, LOVD 3.0, ADPKD Mutation Database, or PKD1-LOVD. The variant was identified in dbSNP (ID: rs753999046) and in control databases in 14 of 271242 chromosomes at a frequency of 0.00005 (Genome Aggregation Database Feb 27, 2017). The variant was observed in the following populations: Other in 1 of 6344 chromosomes (freq: 0.0002) and European in 13 of 122798 chromosomes (freq: 0.0001); it not observed in the African, Latino, Ashkenazi Jewish, East Asian, Finnish, or South Asian populations. The p.Ala2060 residue is not conserved in mammals and computational analyses (PolyPhen-2, SIFT, AlignGVGD, BLOSUM, MutationTaster) do not suggest a high likelihood of impact to the protein; however, this information is not predictive enough to rule out pathogenicity. The variant occurs outside of the splicing consensus sequence and in silico or computational prediction software programs (SpliceSiteFinder, MaxEntScan, NNSPLICE, GeneSplicer) do not predict a difference in splicing. In summary, based on the above information, the clinical significance of this variant cannot be determined with certainty at this time. This variant is classified as a variant of uncertain significance. Assessment Date: 2019/06/26